The following is an entry in ClinVar:

ClinVar aggregate classification (germline): Conflicting classifications of pathogenicity. Review status: criteria provided, conflicting classifications (1 of 4 stars). 11 submissions from 11 submitters: Uncertain significance (2); Likely benign (5). 4 of the submissions do not count toward it. Last evaluated 2026-04-01.

Conditions:
CHD7-related disorder. Also called: CHD7-related condition.
Inborn genetic diseases. Identifiers: MedGen C0950123, MeSH D030342.
CHARGE syndrome (CHARGE). Also called: Coloboma, heart anomaly, choanal atresia, retardation, genital and ear anomalies; CHARGE association; Hall-Hittner syndrome; CHARGE ASSOCIATION--COLOBOMA, HEART ANOMALY, CHOANAL ATRESIA, RETARDATION, GENITAL AND EAR ANOMALIES; Hittner Hirsch Kreh syndrome. Identifiers: Orphanet 138, MedGen C0265354, MONDO:0008965.
Hypogonadotropic hypogonadism 5 with or without anosmia (KAL5). Also called: HYPOGONADOTROPIC HYPOGONADISM 5 WITH ANOSMIA; HYPOGONADOTROPHIC HYPOGONADISM 5 WITHOUT ANOSMIA; CHD7-Related GnRH Deficiency (Kallmann Syndrome 5). Identifiers: Orphanet 478, MedGen C3552553, MONDO:0012880, OMIM 612370. Disease mechanism: loss of function.

Allele frequency attached by ClinVar (database versions not stated): ExAC 0.00005; gnomAD exomes 0.00007 and 0.00017; ESP Exome Variant Server 0.00008; gnomAD 0.00012 and 0.00013; TOPMed 0.00017.
gnomAD v4.1: 268 of 1,613,522 alleles (0.017%); highest among the groups gnomAD compares: Non-Finnish European, 0.02%; no homozygotes.

Submissions (11):

CeGaT Center for Human Genetics Tuebingen
Classification: Likely benign. Last evaluated: 2026-04-01. Review status: criteria provided, single submitter. Criteria: CeGaT Center For Human Genetics Tuebingen Variant Classification Criteria Version 2. Collection method: clinical testing. Allele origin: germline. Affected: yes. Observed: 2 variant alleles.
Comment: CHD7: PP3, BS2

Labcorp Genetics (formerly Invitae), Labcorp
Classification: Likely benign for CHARGE syndrome. Last evaluated: 2025-12-15. Review status: criteria provided, single submitter. Criteria: Invitae Variant Classification Sherloc (09022015). Collection method: clinical testing. Allele origin: germline.

Blueprint Genetics
Classification: Likely benign. Last evaluated: 2022-12-22. Review status: criteria provided, single submitter. Criteria: ACMG Guidelines, 2015. Collection method: clinical testing. Allele origin: germline.

Ambry Genetics
Classification: Likely benign for Inborn genetic diseases. Last evaluated: 2021-10-27. Review status: criteria provided, single submitter. Criteria: Ambry Variant Classification Scheme 2023. Collection method: clinical testing. Allele origin: germline.

GeneDx
Classification: Likely benign. Last evaluated: 2020-11-27. Review status: criteria provided, single submitter. Criteria: GeneDx Variant Classification Process June 2021. Collection method: clinical testing. Allele origin: germline. Affected: yes.
Comment: Reported in an individual with normosmic congenital hypogonadotropic hypogonadism and an individual with atrial ventricular septal defects (D'Alessandro et al., 2016; Cassatella et al., 2018); In silico analysis, which includes protein predictors and evolutionary conservation, supports a deleterious effect; This variant is associated with the following publications: (PMID: 32724172, 31200363, 25996639, 29419413)

Eurofins Ntd Llc (ga)
Classification: Uncertain significance. Last evaluated: 2018-07-26. Review status: criteria provided, single submitter. Criteria: EGL ClinVar v180209 classification definitions. Collection method: clinical testing. Allele origin: germline. Observed: 2 variant alleles, 2 heterozygotes.

Illumina Laboratory Services, Illumina
Classification: Uncertain significance for Kallmann Syndrome 5. Last evaluated: 2017-04-27. Review status: criteria provided, single submitter. Criteria: ICSL Variant Classification Criteria 13 December 2019. Collection method: clinical testing. Allele origin: germline.

PreventionGenetics, part of Exact Sciences
Classification: Uncertain significance for CHD7-related condition. Last evaluated: 2024-02-07. Review status: no assertion criteria provided. Collection method: clinical testing. Allele origin: germline. Not counted in ClinVar's aggregate classification.
Comment: The CHD7 c.3973T>C variant is predicted to result in the amino acid substitution p.Tyr1325His. This variant has been previously reported in an individual with atrioventricular septum defect (D'Alessandro et al. 2016. PubMed ID: 25996639), and an individual with congenital hypogonadotropic hypogonadism (Table S2, Cassatella et al. 2018. PubMed ID: 29419413). An alternate nucleotide change affecting the same amino acid (c.3973T>G; p.Tyr1325Asp) has been observed in a cohort of individuals with CHARGE syndrome (Bergman et al. 2011. PubMed ID: 20884005), and reported as de novo (Table S1, Bergman et al. 2012. PubMed ID: 22539353). This variant is reported in 0.013% of alleles in individuals of European (Non-Finnish) descent in gnomAD. Although we suspect that this variant may be benign, at this time, the clinical significance of this variant is uncertain due to the absence of conclusive functional and genetic evidence.

Clinical Genetics DNA and cytogenetics Diagnostics Lab, Erasmus MC, Erasmus Medical Center
Classification: Uncertain significance. Review status: no assertion criteria provided. Collection method: clinical testing. Allele origin: germline. Affected: yes. Study: VKGL Data-share Consensus. Not counted in ClinVar's aggregate classification.

Department of Pathology and Laboratory Medicine, Sinai Health System
Classification: Uncertain significance. Review status: no assertion criteria provided. Collection method: clinical testing. Allele origin: unknown. Affected: yes. Study: The Canadian Open Genetics Repository (COGR). Not counted in ClinVar's aggregate classification.
Comment: The CHD7 p.Tyr1325His variant was identified in 1 of 162 proband chromosomes (frequency: 0.0062) from individuals with atrioventricular septal defect (AVSD) (D'Alessandro_2016_PMID:25996639). The variant was also identified in dbSNP (ID: rs377535841), ClinVar (classified as a VUS by EGL Genetics and Invitae) and LOVD 3.0. The variant was also identified in control databases in 19 of 279988 chromosomes at a frequency of 0.000068 (Genome Aggregation Database Feb 27, 2017). The variant was observed in the following populations: Other in 1 of 7114 chromosomes (freq: 0.000141), European (non-Finnish) in 17 of 128040 chromosomes (freq: 0.000133) and Latino in 1 of 35274 chromosomes (freq: 0.000028), while the variant was not observed in the African, Ashkenazi Jewish, East Asian, European (Finnish), and South Asian populations. The p.Tyr1325 residue is conserved in mammals but not in more distantly related organisms, and four out of five computational analyses (PolyPhen-2, SIFT, AlignGVGD, MutationTaster) suggest that the variant may impact the protein; however, this information is not predictive enough to assume pathogenicity. The variant occurs outside of the splicing consensus sequence and in silico or computational prediction software programs (SpliceSiteFinder, MaxEntScan, NNSPLICE, GeneSplicer) do not predict a difference in splicing at the variant location. In summary, based on the above information the clinical significance of this variant cannot be determined with certainty at this time. This variant is classified as a variant of uncertain significance.

Joint Genome Diagnostic Labs from Nijmegen and Maastricht, Radboudumc and MUMC+
Classification: Uncertain significance. Review status: no assertion criteria provided. Collection method: clinical testing. Allele origin: germline. Affected: yes. Study: VKGL Data-share Consensus. Not counted in ClinVar's aggregate classification.

NM_017780.4(CHD7):c.3973T>C (p.Tyr1325His)

Gene: CHD7 (chromodomain helicase DNA binding protein 7; plus strand). Cytogenetic location: 8q12.2.
Variant type: single nucleotide variant.
Coding change: c.3973T>C on transcript NM_017780.4 (MANE Select); coding-DNA position 3973, T replaced by C.
Protein change: p.Tyr1325His; replaces tyrosine 1325 with histidine.
Molecular consequence: missense variant. On other transcripts: intron variant (1).
Genome position (GRCh38, 1-based): chr8:60,836,267, T>C. VCF-style: chr8-60836267-T-C. GRCh37 (hg19) VCF-style: chr8-61748826-T-C.
Other names: c.1717-25962T>C (NM_001316690.1); short protein forms Y1325H.
Identifiers: ClinVar variation 194665 (VCV000194665.49), dbSNP rs377535841, ClinGen allele CA240765.